The following is an entry in ClinVar:

ClinVar aggregate classification (germline): Pathogenic (1 of 4 stars; one submission).

Submission:

Labcorp Genetics (formerly Invitae), Labcorp
Classification: Pathogenic. Last evaluated: 2021-11-09. Review status: criteria provided, single submitter. Criteria: Invitae Variant Classification Sherloc (09022015). Collection method: clinical testing. Allele origin: germline.
Comment: This premature translational stop signal has been observed in individual(s) with hereditary angioedema (PMID: 18758157). It has also been observed to segregate with disease in related individuals. For these reasons, this variant has been classified as Pathogenic. This variant is not present in population databases (gnomAD no frequency). This sequence change creates a premature translational stop signal (p.Glu134*) in the SERPING1 gene. It is expected to result in an absent or disrupted protein product. Loss-of-function variants in SERPING1 are known to be pathogenic (PMID: 11112899, 24456027).

Literature cited by the submitters: PubMed 18758157; PubMed 11112899; PubMed 24456027.

NM_000062.3(SERPING1):c.400G>T (p.Glu134Ter)

Gene: SERPING1 (serpin family G member 1; plus strand). Cytogenetic location: 11q12.1.
Variant type: single nucleotide variant.
Coding change: c.400G>T on transcript NM_000062.3 (MANE Select); coding-DNA position 400, G replaced by T.
Protein change: p.Glu134Ter; replaces glutamic acid 134 with a stop codon.
Molecular consequence: nonsense.
Genome position (GRCh38, 1-based): chr11:57,600,227, G>T. VCF-style: chr11-57600227-G-T. GRCh37 (hg19) VCF-style: chr11-57367700-G-T.
Other names: c.400G>T, p.Glu134Ter (NM_001032295.2); short protein forms E134*.
Identifiers: ClinVar variation 1460244 (VCV001460244.6), dbSNP rs2135308651, ClinGen allele CA380695284.
Genomic context (GRCh38, chr11:57,600,227, plus strand): 5'-CCTACCCAGCCCACTACTGGGTCCTTCTGCCCAGGACCTGTTACTCTCTGCTCTGACTTG[G>T]AGAGTCATTCAACAGAGGCCGTGTTGGGGGATGCTTTGGTAGATTTCTCCCTGAAGCTCT-3'